The following is an entry in ClinVar:

ClinVar aggregate classification (germline): Uncertain significance (1 of 4 stars; one submission).

Conditions:
Hereditary cancer-predisposing syndrome. Also called: Neoplastic Syndromes, Hereditary; Hereditary Cancer Syndrome; Tumor predisposition; Hereditary neoplastic syndrome. Identifiers: Orphanet 140162, MedGen C0027672, MeSH D009386, MONDO:0015356.

Submission:

Ambry Genetics
Classification: Uncertain significance for Hereditary cancer-predisposing syndrome. Last evaluated: 2025-02-28. Review status: criteria provided, single submitter. Criteria: Ambry Variant Classification Scheme 2023. Collection method: clinical testing. Allele origin: germline.
Comment: The p.H569N variant (also known as c.1705C>A), located in coding exon 9 of the RET gene, results from a C to A substitution at nucleotide position 1705. The histidine at codon 569 is replaced by asparagine, an amino acid with similar properties. This amino acid position is conserved. In addition, the in silico prediction for this alteration is inconclusive. Based on the available evidence, the clinical significance of this variant remains unclear.

NM_020975.6(RET):c.1705C>A (p.His569Asn)

Gene: RET (ret proto-oncogene; plus strand). Cytogenetic location: 10q11.21.
Variant type: single nucleotide variant.
Coding change: c.1705C>A on transcript NM_020975.6 (MANE Select); coding-DNA position 1705, C replaced by A.
Protein change: p.His569Asn; replaces histidine 569 with asparagine.
Molecular consequence: missense variant.
Genome position (GRCh38, 1-based): chr10:43,112,909, C>A. VCF-style: chr10-43112909-C-A. GRCh37 (hg19) VCF-style: chr10-43608357-C-A.
Other names: c.943C>A, p.His315Asn (NM_001355216.2); c.1705C>A, p.His569Asn (NM_001406743.1, NM_001406744.1, NM_001406759.1 and 4 more transcripts); c.1576C>A, p.His526Asn (NM_001406761.1, NM_001406762.1, NM_001406764.1 and 1 more transcripts); c.1417C>A, p.His473Asn (NM_001406766.1, NM_001406767.1, NM_001406770.1); c.1309C>A, p.His437Asn (NM_001406769.1, NM_001406772.1); c.1267C>A, p.His423Asn (NM_001406771.1, NM_001406773.1); c.1180C>A, p.His394Asn (NM_001406774.1); c.979C>A, p.His327Asn (NM_001406775.1, NM_001406776.1, NM_001406777.1 and 1 more transcripts); and 5 more; short protein forms H239N, H315N, H394N, H423N, H437N, H569N, H174N, H86N.
Identifiers: ClinVar variation 3788347 (VCV003788347.1).